The following is an entry in ClinVar:

ClinVar aggregate classification (germline): Likely benign (0 of 4 stars; one submission).

Conditions:
ROBO1-related disorder. Also called: ROBO1-related condition.

Allele frequency attached by ClinVar (database versions not stated): TOPMed below 0.00001; gnomAD exomes 0.00001; ExAC 0.00002.

Submission:

PreventionGenetics, part of Exact Sciences
Classification: Likely benign for ROBO1-related condition. Last evaluated: 2019-07-19. Review status: no assertion criteria provided. Collection method: clinical testing. Allele origin: germline.
Comment: This variant is classified as likely benign based on ACMG/AMP sequence variant interpretation guidelines (Richards et al. 2015 PMID: 25741868, with internal and published modifications).

NM_002941.4(ROBO1):c.4002C>T (p.Ala1334=)

Gene: ROBO1 (roundabout guidance receptor 1; minus strand). Cytogenetic location: 3p12.3.
Variant type: single nucleotide variant.
Coding change: c.4002C>T on transcript NM_002941.4 (MANE Select); coding-DNA position 4002, C replaced by T.
Protein change: p.Ala1334=; no amino-acid change (alanine 1334 retained).
Molecular consequence: synonymous variant.
Genome position (GRCh38, 1-based): chr3:78,617,915, G>A on the plus strand (C>T on the coding strand, the complement: ROBO1 is on the minus strand). VCF-style: chr3-78617915-G-A. GRCh37 (hg19) VCF-style: chr3-78667065-G-A.
Other names: c.3867C>T, p.Ala1289= (NM_001145844.1, NM_133631.4); c.3702C>T, p.Ala1234= (NM_001145845.2).
Identifiers: ClinVar variation 3050574 (VCV003050574.2), dbSNP rs757131519, ClinGen allele CA2498206.